The following is an entry in ClinVar:

ClinVar aggregate classification (germline): Uncertain significance (1 of 4 stars; one submission).

Conditions:
Intellectual disability, X-linked, with or without seizures, ARX-related. Also called: Mental retardation, X-linked 52; INTELLECTUAL DEVELOPMENTAL DISORDER, X-LINKED 29; MENTAL RETARDATION, X-LINKED 29; MENTAL RETARDATION, X-LINKED 32; MENTAL RETARDATION, X-LINKED 33; MENTAL RETARDATION, X-LINKED 38. Identifiers: Orphanet 777, MedGen C0796244, MONDO:0010317, OMIM 300419.

Submission:

MVZ Medizinische Genetik Mainz
Classification: Uncertain significance for Intellectual disability, X-linked, with or without seizures, ARX-related. Last evaluated: 2024-03-13. Review status: criteria provided, single submitter. Criteria: UK Practice Guidelines For Variant Classification V4 01 2020. Collection method: clinical testing. Allele origin: germline. Inheritance: X-linked dominant inheritance. Affected: yes. Observed: 1 variant allele.
Comment: ACMG Criteria: PM2_SUP,PP2,PP3

NM_139058.3(ARX):c.1349C>G (p.Ser450Trp)

Gene: ARX (aristaless related homeobox; minus strand). Cytogenetic location: Xp21.3.
Variant type: single nucleotide variant.
Coding change: c.1349C>G on transcript NM_139058.3 (MANE Select); coding-DNA position 1349, C replaced by G.
Protein change: p.Ser450Trp; replaces serine 450 with tryptophan.
Molecular consequence: missense variant.
Genome position (GRCh38, 1-based): chrX:25,007,210, G>C on the plus strand (C>G on the coding strand, the complement: ARX is on the minus strand). VCF-style: chrX-25007210-G-C. GRCh37 (hg19) VCF-style: chrX-25025327-G-C.
Other names: short protein forms S450W.
Identifiers: ClinVar variation 3236355 (VCV003236355.1), dbSNP rs1410211479, ClinGen allele CA412611198.